The following is an entry in ClinVar:

ClinVar aggregate classification (germline): Pathogenic (1 of 4 stars; one submission).

Submission:

Labcorp Genetics (formerly Invitae), Labcorp
Classification: Pathogenic. Last evaluated: 2023-12-13. Review status: criteria provided, single submitter. Criteria: Invitae Variant Classification Sherloc (09022015). Collection method: clinical testing. Allele origin: germline.
Comment: This sequence change creates a premature translational stop signal (p.Cys207*) in the NOG gene. While this is not anticipated to result in nonsense mediated decay, it is expected to disrupt the last 26 amino acid(s) of the NOG protein. This variant is not present in population databases (gnomAD no frequency). This variant has not been reported in the literature in individuals affected with NOG-related conditions. This variant disrupts a region of the NOG protein in which other variant(s) (p.Trp217Gly) have been determined to be pathogenic (PMID: 10080184). This suggests that this is a clinically significant region of the protein, and that variants that disrupt it are likely to be disease-causing. For these reasons, this variant has been classified as Pathogenic.

Literature cited by the submitters: PubMed 10080184.

NM_005450.6(NOG):c.621T>A (p.Cys207Ter)

Gene: NOG (noggin; plus strand). Cytogenetic location: 17q22.
Variant type: single nucleotide variant.
Coding change: c.621T>A on transcript NM_005450.6 (MANE Select); coding-DNA position 621, T replaced by A.
Protein change: p.Cys207Ter; replaces cysteine 207 with a stop codon.
Molecular consequence: nonsense.
Genome position (GRCh38, 1-based): chr17:56,594,844, T>A. VCF-style: chr17-56594844-T-A. GRCh37 (hg19) VCF-style: chr17-54672205-T-A.
Other names: short protein forms C207*.
Identifiers: ClinVar variation 2699744 (VCV002699744.3), dbSNP rs2545137924, ClinGen allele CA399966726.